The following is an entry in ClinVar:

NM_005676.5(RBM10):c.526G>A (p.Val176Ile)

Gene: RBM10 (RNA binding motif protein 10; plus strand). Cytogenetic location: Xp11.3.
Variant type: single nucleotide variant.
Coding change: c.526G>A on transcript NM_005676.5 (MANE Select); coding-DNA position 526, G replaced by A.
Protein change: p.Val176Ile; replaces valine 176 with isoleucine.
Molecular consequence: missense variant.
Genome position (GRCh38, 1-based): chrX:47,175,042, G>A. VCF-style: chrX-47175042-G-A. GRCh37 (hg19) VCF-style: chrX-47034441-G-A.
Other names: c.295G>A, p.Val99Ile (NM_001204466.2, NM_152856.3); c.526G>A, p.Val176Ile (NM_001204467.2); c.721G>A, p.Val241Ile (NM_001204468.2, NM_001440861.1); c.490G>A, p.Val164Ile (NM_001440862.1, NM_001440863.1); short protein forms V164I, V176I, V241I, V99I.
Identifiers: ClinVar variation 4690001 (VCV004690001.1).

ClinVar aggregate classification (germline): Uncertain significance (1 of 4 stars; one submission).

Submission:

GeneDx
Classification: Uncertain significance. Last evaluated: 2025-07-31. Review status: criteria provided, single submitter. Criteria: GeneDx Variant Classification Process June 2021. Collection method: clinical testing. Allele origin: germline. Affected: yes.
Comment: Not observed at significant frequency in large population cohorts (gnomAD); In silico analysis suggests that this missense variant does not alter protein structure/function; Has not been previously published as pathogenic or benign to our knowledge